The following is an entry in ClinVar:

ClinVar aggregate classification (germline): Uncertain significance (1 of 4 stars; one submission).

Allele frequency attached by ClinVar (database versions not stated): gnomAD exomes below 0.00001; gnomAD 0.00001.
gnomAD v4.1: 2 of 1,593,912 alleles (0.00013%); highest among the groups gnomAD compares: Non-Finnish European, 0.00017%; no homozygotes.

Submission:

Labcorp Genetics (formerly Invitae), Labcorp
Classification: Uncertain significance. Last evaluated: 2022-11-22. Review status: criteria provided, single submitter. Criteria: Invitae Variant Classification Sherloc (09022015). Collection method: clinical testing. Allele origin: germline.
Comment: ClinVar contains an entry for this variant (Variation ID: 1472119). This variant has not been reported in the literature in individuals affected with MAPKAPK3-related conditions. This variant is not present in population databases (gnomAD no frequency). This sequence change replaces proline, which is neutral and non-polar, with threonine, which is neutral and polar, at codon 12 of the MAPKAPK3 protein (p.Pro12Thr). Algorithms developed to predict the effect of missense changes on protein structure and function (SIFT, PolyPhen-2, Align-GVGD) all suggest that this variant is likely to be tolerated. In summary, the available evidence is currently insufficient to determine the role of this variant in disease. Therefore, it has been classified as a Variant of Uncertain Significance.

NM_001243925.2(MAPKAPK3):c.34C>A (p.Pro12Thr)

Gene: MAPKAPK3 (MAPK activated protein kinase 3; plus strand). Cytogenetic location: 3p21.2.
Variant type: single nucleotide variant.
Coding change: c.34C>A on transcript NM_001243925.2 (MANE Select); coding-DNA position 34, C replaced by A.
Protein change: p.Pro12Thr; replaces proline 12 with threonine.
Molecular consequence: missense variant.
Genome position (GRCh38, 1-based): chr3:50,617,599, C>A. VCF-style: chr3-50617599-C-A. GRCh37 (hg19) VCF-style: chr3-50655030-C-A.
Other names: c.34C>A, p.Pro12Thr (NM_001243926.2, NM_004635.5); short protein forms P12T.
Identifiers: ClinVar variation 1472119 (VCV001472119.6), dbSNP rs2032501970, ClinGen allele CA352961345.